The following is an entry in ClinVar:

NM_001940.4(ATN1):c.1509T>G (p.His503Gln)

Gene: ATN1 (atrophin 1; plus strand). Cytogenetic location: 12p13.31.
Variant type: single nucleotide variant.
Coding change: c.1509T>G on transcript NM_001940.4 (MANE Select); coding-DNA position 1509, T replaced by G.
Protein change: p.His503Gln; replaces histidine 503 with glutamine.
Molecular consequence: missense variant.
Genome position (GRCh38, 1-based): chr12:6,936,776, T>G. VCF-style: chr12-6936776-T-G. GRCh37 (hg19) VCF-style: chr12-7045939-T-G.
Other names: c.1509T>G, p.His503Gln (NM_001007026.2, NM_001424176.1, NM_001424177.1 and 1 more transcripts); c.1506T>G, p.His502Gln (NM_001424179.1, NM_001424180.1); c.1488T>G, p.His496Gln (NM_001424181.1); c.1485T>G, p.His495Gln (NM_001424182.1); short protein forms H495Q, H496Q, H502Q, H503Q.
Identifiers: ClinVar variation 2642649 (VCV002642649.24), dbSNP rs146578563, ClinGen allele CA6420635.

ClinVar aggregate classification (germline): Benign (1 of 4 stars; one submission).

Submission:

CeGaT Center for Human Genetics Tuebingen
Classification: Benign. Last evaluated: 2025-11-01. Review status: criteria provided, single submitter. Criteria: CeGaT Center For Human Genetics Tuebingen Variant Classification Criteria Version 2. Collection method: clinical testing. Allele origin: germline. Affected: yes. Observed: 2 variant alleles.
Comment: ATN1: BS1, BS2